The following is an entry in ClinVar:

NM_001018005.2(TPM1):c.470A>C (p.Asp157Ala)

Gene: TPM1 (tropomyosin 1; plus strand). Cytogenetic location: 15q22.2.
Variant type: single nucleotide variant.
Coding change: c.470A>C on transcript NM_001018005.2 (MANE Select); coding-DNA position 470, A replaced by C.
Protein change: p.Asp157Ala; replaces aspartic acid 157 with alanine.
Molecular consequence: missense variant.
Genome position (GRCh38, 1-based): chr15:63,059,658, A>C. VCF-style: chr15-63059658-A-C. GRCh37 (hg19) VCF-style: chr15-63351857-A-C.
Other names: c.470A>C, p.Asp157Ala (NM_000366.6, NM_001018004.2, NM_001018006.2 and 20 more transcripts); c.362A>C, p.Asp121Ala (NM_001018008.2, NM_001301289.2, NM_001330344.2 and 9 more transcripts); c.596A>C, p.Asp199Ala (NM_001365778.1, NM_001407322.1, NM_001407323.1 and 1 more transcripts); short protein forms D121A, D199A, D157A.
Identifiers: ClinVar variation 1742584 (VCV001742584.2), dbSNP rs2542777513, ClinGen allele CA392722426.

ClinVar aggregate classification (germline): Uncertain significance (1 of 4 stars; one submission).

Conditions:
Cardiovascular phenotype. Identifiers: MedGen CN230736.

Submission:

Ambry Genetics
Classification: Uncertain significance for Cardiovascular phenotype. Last evaluated: 2020-04-30. Review status: criteria provided, single submitter. Criteria: Ambry Variant Classification Scheme 2023. Collection method: clinical testing. Allele origin: germline.
Comment: The p.D157A variant (also known as c.470A>C), located in coding exon 4 of the TPM1 gene, results from an A to C substitution at nucleotide position 470. The aspartic acid at codon 157 is replaced by alanine, an amino acid with dissimilar properties. This amino acid position is not well conserved in available vertebrate species. In addition, this alteration is predicted to be deleterious by in silico analysis. Since supporting evidence is limited at this time, the clinical significance of this alteration remains unclear.